The following is an entry in ClinVar:

NM_018965.4(TREM2):c.*61T>C

Gene: TREM2 (triggering receptor expressed on myeloid cells 2; minus strand). Cytogenetic location: 6p21.1.
Variant type: single nucleotide variant.
Coding change: c.*61T>C on transcript NM_018965.4 (MANE Select); 61 bases downstream of the stop codon, T replaced by C.
Molecular consequence: 3 prime UTR variant. On other transcripts: missense variant (1).
Genome position (GRCh38, 1-based): chr6:41,158,703, A>G on the plus strand (T>C on the coding strand, the complement: TREM2 is on the minus strand). VCF-style: chr6-41158703-A-G. GRCh37 (hg19) VCF-style: chr6-41126441-A-G.
Other names: c.560T>C, p.Ile187Thr (NM_001271821.2); short protein forms I187T.
Identifiers: ClinVar variation 1966298 (VCV001966298.3), dbSNP rs2532382819, ClinGen allele CA364057114.

ClinVar aggregate classification (germline): Uncertain significance (1 of 4 stars; one submission).

Allele frequency attached by ClinVar (database versions not stated): gnomAD exomes below 0.00001.
gnomAD v4.1: 4 of 1,614,184 alleles (0.00025%); highest among the groups gnomAD compares: African/African-American, 0.0027%; no homozygotes.

Submission:

Labcorp Genetics (formerly Invitae), Labcorp
Classification: Uncertain significance. Last evaluated: 2022-04-25. Review status: criteria provided, single submitter. Criteria: Invitae Variant Classification Sherloc (09022015). Collection method: clinical testing. Allele origin: germline.
Comment: The TREM2 gene has multiple clinically relevant transcripts. This variant occurs in alternate transcript NM_001271821.1, and corresponds to NM_018965.3:c.*61T>C in the primary transcript. This sequence change replaces isoleucine, which is neutral and non-polar, with threonine, which is neutral and polar, at codon 187 of the TREM2 protein (p.Ile187Thr). This variant is not present in population databases (gnomAD no frequency). This variant has not been reported in the literature in individuals affected with TREM2-related conditions. Experimental studies and prediction algorithms are not available or were not evaluated, and the functional significance of this variant is currently unknown. In summary, the available evidence is currently insufficient to determine the role of this variant in disease. Therefore, it has been classified as a Variant of Uncertain Significance.